The following is an entry in ClinVar:

NM_005219.5(DIAPH1):c.88G>A (p.Gly30Ser)

Gene: DIAPH1 (diaphanous related formin 1; minus strand). Cytogenetic location: 5q31.3.
Variant type: single nucleotide variant.
Coding change: c.88G>A on transcript NM_005219.5 (MANE Select); coding-DNA position 88, G replaced by A.
Protein change: p.Gly30Ser; replaces glycine 30 with serine.
Molecular consequence: missense variant.
Genome position (GRCh38, 1-based): chr5:141,618,827, C>T on the plus strand (G>A on the coding strand, the complement: DIAPH1 is on the minus strand). VCF-style: chr5-141618827-C-T. GRCh37 (hg19) VCF-style: chr5-140998394-C-T.
Other names: c.88G>A, p.Gly30Ser (NM_001079812.3, NM_001314007.2); short protein forms G30S.
Identifiers: ClinVar variation 853238 (VCV000853238.10), dbSNP rs1034109754, ClinGen allele CA128436694.

ClinVar aggregate classification (germline): Uncertain significance. Review status: criteria provided, multiple submitters, no conflicts (2 of 4 stars). 3 submissions from 3 submitters: Uncertain significance (3). Last evaluated 2026-03-02.

Conditions:
Progressive microcephaly-seizures-cortical blindness-developmental delay syndrome. Also called: Seizures, cortical blindness, and microcephaly syndrome. Identifiers: Orphanet 477814, MedGen C5567650, MONDO:0014714, OMIM 616632.
Autosomal dominant nonsyndromic hearing loss 1. Also called: KONIGSMARK SYNDROME; DEAFNESS, AUTOSOMAL DOMINANT 1, WITH OR WITHOUT THROMBOCYTOPENIA. Identifiers: Orphanet 90635, MedGen C1852282, MONDO:0007424, OMIM 124900.
DIAPH1-related disorder. Also called: DIAPH1-related condition.

Allele frequency attached by ClinVar (database versions not stated): gnomAD exomes below 0.00001 and 0.00001; gnomAD 0.00001; TOPMed 0.00002.
gnomAD v4.1: 6 of 1,550,038 alleles (0.00039%); highest among the groups gnomAD compares: Admixed American, 0.0078%; no homozygotes.

Submissions (3):

PreventionGenetics, part of Exact Sciences
Classification: Uncertain significance for DIAPH1-related condition. Last evaluated: 2026-03-02. Review status: criteria provided, single submitter. Criteria: ACMG Guidelines, 2015. Collection method: clinical testing. Allele origin: germline.
Comment: The DIAPH1 c.88G>A variant is predicted to result in the amino acid substitution p.Gly30Ser. To our knowledge, this variant has not been reported in the literature. This variant is reported in 0.0082% of alleles in individuals of Latino descent in gnomAD. At this time, the clinical significance of this variant is uncertain due to the absence of conclusive functional and genetic evidence.

Labcorp Genetics (formerly Invitae), Labcorp
Classification: Uncertain significance for Progressive microcephaly-seizures-cortical blindness-developmental delay syndrome; Autosomal dominant nonsyndromic hearing loss 1. Last evaluated: 2025-04-29. Review status: criteria provided, single submitter. Criteria: Invitae Variant Classification Sherloc (09022015). Collection method: clinical testing. Allele origin: germline.
Comment: This sequence change replaces glycine, which is neutral and non-polar, with serine, which is neutral and polar, at codon 30 of the DIAPH1 protein (p.Gly30Ser). This variant is present in population databases (no rsID available, gnomAD 0.009%). This variant has not been reported in the literature in individuals affected with DIAPH1-related conditions. ClinVar contains an entry for this variant (Variation ID: 853238). Experimental studies and prediction algorithms are not available or were not evaluated, and the functional significance of this variant is currently unknown. In summary, the available evidence is currently insufficient to determine the role of this variant in disease. Therefore, it has been classified as a Variant of Uncertain Significance.

GeneDx
Classification: Uncertain significance. Last evaluated: 2024-01-11. Review status: criteria provided, single submitter. Criteria: GeneDx Variant Classification Process June 2021. Collection method: clinical testing. Allele origin: germline. Affected: yes.
Comment: In silico analysis supports that this missense variant does not alter protein structure/function; Has not been previously published as pathogenic or benign to our knowledge